The following is an entry in ClinVar:

NM_000038.6(APC):c.1823C>T (p.Ala608Val)

Gene: APC (APC regulator of Wnt signaling pathway; plus strand). Cytogenetic location: 5q22.2.
Variant type: single nucleotide variant.
Coding change: c.1823C>T on transcript NM_000038.6 (MANE Select); coding-DNA position 1823, C replaced by T.
Protein change: p.Ala608Val; replaces alanine 608 with valine.
Molecular consequence: missense variant.
Genome position (GRCh38, 1-based): chr5:112,835,030, C>T. VCF-style: chr5-112835030-C-T. GRCh37 (hg19) VCF-style: chr5-112170727-C-T.
Other names: c.1823C>T, p.Ala608Val (NM_001127510.3, NM_001354895.2); c.1769C>T, p.Ala590Val (NM_001127511.3); c.1877C>T, p.Ala626Val (NM_001354896.2); c.1853C>T, p.Ala618Val (NM_001354897.2); c.1748C>T, p.Ala583Val (NM_001354898.2); c.1739C>T, p.Ala580Val (NM_001354899.2); c.1700C>T, p.Ala567Val (NM_001354900.2); c.1646C>T, p.Ala549Val (NM_001354901.2); and 5 more; short protein forms A507V, A567V, A580V, A590V, A448V, A517V, A618V, A626V.
Identifiers: ClinVar variation 1497209 (VCV001497209.8), dbSNP rs2149842027, ClinGen allele CA16025314.
Genomic context (GRCh38, chr5:112,835,030, plus strand): 5'-TATTGAGTGCCTTATGGAATTTGTCAGCACATTGCACTGAGAATAAAGCTGATATATGTG[C>T]TGTAGATGGTGCACTTGCATTTTTGGTTGGCACTCTTACTTACCGGAGCCAGACAAACAC-3'
Protein context (NP_000029.2, residues 598-618): HCTENKADIC[Ala608Val]VDGALAFLVG

ClinVar aggregate classification (germline): Uncertain significance (1 of 4 stars; one submission).

Conditions:
Familial adenomatous polyposis 1 (FAP1). Also called: FAMILIAL ADENOMATOUS POLYPOSIS 1, ATTENUATED; POLYPOSIS, ADENOMATOUS INTESTINAL. Identifiers: MedGen C2713442, MONDO:0021056, OMIM 175100. Disease mechanism: loss of function.

Submission:

Labcorp Genetics (formerly Invitae), Labcorp
Classification: Uncertain significance for Familial adenomatous polyposis 1. Last evaluated: 2023-03-21. Review status: criteria provided, single submitter. Criteria: Invitae Variant Classification Sherloc (09022015). Collection method: clinical testing. Allele origin: germline.
Comment: This variant has not been reported in the literature in individuals affected with APC-related conditions. ClinVar contains an entry for this variant (Variation ID: 1497209). Advanced modeling of protein sequence and biophysical properties (such as structural, functional, and spatial information, amino acid conservation, physicochemical variation, residue mobility, and thermodynamic stability) performed at Invitae indicates that this missense variant is not expected to disrupt APC protein function. In summary, the available evidence is currently insufficient to determine the role of this variant in disease. Therefore, it has been classified as a Variant of Uncertain Significance. This sequence change replaces alanine, which is neutral and non-polar, with valine, which is neutral and non-polar, at codon 608 of the APC protein (p.Ala608Val). This variant is not present in population databases (gnomAD no frequency).